The following is an entry in ClinVar:

NM_005219.5(DIAPH1):c.3094C>A (p.Pro1032Thr)

Gene: DIAPH1 (diaphanous related formin 1; minus strand). Cytogenetic location: 5q31.3.
Variant type: single nucleotide variant.
Coding change: c.3094C>A on transcript NM_005219.5 (MANE Select); coding-DNA position 3094, C replaced by A.
Protein change: p.Pro1032Thr; replaces proline 1032 with threonine.
Molecular consequence: missense variant.
Genome position (GRCh38, 1-based): chr5:141,528,507, G>T on the plus strand (C>A on the coding strand, the complement: DIAPH1 is on the minus strand). VCF-style: chr5-141528507-G-T. GRCh37 (hg19) VCF-style: chr5-140908074-G-T.
Other names: c.3067C>A, p.Pro1023Thr (NM_001079812.3); c.3094C>A, p.Pro1032Thr (NM_001314007.2); short protein forms P1032T, P1023T.
Identifiers: ClinVar variation 1994627 (VCV001994627.4), dbSNP rs776170489, ClinGen allele CA3478898.

ClinVar aggregate classification (germline): Uncertain significance (1 of 4 stars; one submission).

Conditions:
Progressive microcephaly-seizures-cortical blindness-developmental delay syndrome. Also called: Seizures, cortical blindness, and microcephaly syndrome. Identifiers: Orphanet 477814, MedGen C5567650, MONDO:0014714, OMIM 616632.
Autosomal dominant nonsyndromic hearing loss 1. Also called: KONIGSMARK SYNDROME; DEAFNESS, AUTOSOMAL DOMINANT 1, WITH OR WITHOUT THROMBOCYTOPENIA. Identifiers: Orphanet 90635, MedGen C1852282, MONDO:0007424, OMIM 124900.

Allele frequency attached by ClinVar (database versions not stated): TOPMed below 0.00001; ExAC 0.00001; gnomAD 0.00002.
gnomAD v4.1: 4 of 1,614,086 alleles (0.00025%); highest among the groups gnomAD compares: African/African-American, 0.004%; no homozygotes.

Submission:

Labcorp Genetics (formerly Invitae), Labcorp
Classification: Uncertain significance for Progressive microcephaly-seizures-cortical blindness-developmental delay syndrome; Autosomal dominant nonsyndromic hearing loss 1. Last evaluated: 2024-08-13. Review status: criteria provided, single submitter. Criteria: Invitae Variant Classification Sherloc (09022015). Collection method: clinical testing. Allele origin: germline.
Comment: This sequence change replaces proline, which is neutral and non-polar, with threonine, which is neutral and polar, at codon 1032 of the DIAPH1 protein (p.Pro1032Thr). This variant is present in population databases (rs776170489, gnomAD 0.008%). This variant has not been reported in the literature in individuals affected with DIAPH1-related conditions. ClinVar contains an entry for this variant (Variation ID: 1994627). An algorithm developed to predict the effect of missense changes on protein structure and function (PolyPhen-2) suggests that this variant is likely to be disruptive. In summary, the available evidence is currently insufficient to determine the role of this variant in disease. Therefore, it has been classified as a Variant of Uncertain Significance.